The following is an entry in ClinVar:

NM_001018115.3(FANCD2):c.4189G>A (p.Glu1397Lys)

Genes: FANCD2 (FA complementation group D2; plus strand), FANCD2OS (FANCD2 opposite strand; minus strand). Cytogenetic location: 3p25.3.
Variant type: single nucleotide variant.
Coding change: c.4189G>A on transcript NM_001018115.3 (MANE Select); coding-DNA position 4189, G replaced by A.
Protein change: p.Glu1397Lys; replaces glutamic acid 1397 with lysine.
Molecular consequence: missense variant. On other transcripts: intron variant (1).
Genome position (GRCh38, 1-based): chr3:10,098,723, G>A. VCF-style: chr3-10098723-G-A. GRCh37 (hg19) VCF-style: chr3-10140407-G-A.
Other names: c.4189G>A, p.Glu1397Lys (NM_001319984.2, NM_033084.6); c.4078G>A, p.Glu1360Lys (NM_001374253.1); c.4150G>A, p.Glu1384Lys (NM_001374254.1); c.*43+5475C>T (NM_173472.2); short protein forms E1360K, E1384K, E1397K.
Identifiers: ClinVar variation 1438608 (VCV001438608.6), dbSNP rs753272541, ClinGen allele CA2250650.

ClinVar aggregate classification (germline): Uncertain significance. Review status: criteria provided, multiple submitters, no conflicts (2 of 4 stars). 2 submissions from 2 submitters: Uncertain significance (2). Last evaluated 2024-02-24.

Conditions:
Fanconi anemia (FA). Also called: Fanconi's anemia. Identifiers: Orphanet 84, MedGen C0015625, MeSH D005199, MONDO:0019391.
Fanconi anemia complementation group D2. Also called: FANCD2-Related Fanconi Anemia; FANCONI PANCYTOPENIA, TYPE 4; FANCONI ANEMIA, COMPLEMENTATION GROUP D. Identifiers: Orphanet 84, MedGen C3160738, MONDO:0009214, OMIM 227646.

Allele frequency attached by ClinVar (database versions not stated): TOPMed below 0.00001; ExAC 0.00001; gnomAD exomes 0.00001.
gnomAD v4.1: 1 of 1,614,158 alleles (0.000062%); no homozygotes.

Submissions (2):

Labcorp Genetics (formerly Invitae), Labcorp
Classification: Uncertain significance for Fanconi anemia. Last evaluated: 2024-02-24. Review status: criteria provided, single submitter. Criteria: Invitae Variant Classification Sherloc (09022015). Collection method: clinical testing. Allele origin: germline.
Comment: This sequence change replaces glutamic acid, which is acidic and polar, with lysine, which is basic and polar, at codon 1397 of the FANCD2 protein (p.Glu1397Lys). This variant is present in population databases (rs753272541, gnomAD 0.01%). This variant has not been reported in the literature in individuals affected with FANCD2-related conditions. ClinVar contains an entry for this variant (Variation ID: 1438608). Advanced modeling of protein sequence and biophysical properties (such as structural, functional, and spatial information, amino acid conservation, physicochemical variation, residue mobility, and thermodynamic stability) performed at Invitae indicates that this missense variant is expected to disrupt FANCD2 protein function with a positive predictive value of 80%. Algorithms developed to predict the effect of sequence changes on RNA splicing suggest that this variant may disrupt the consensus splice site. In summary, the available evidence is currently insufficient to determine the role of this variant in disease. Therefore, it has been classified as a Variant of Uncertain Significance.

Fulgent Genetics
Classification: Uncertain significance for Fanconi anemia complementation group D2. Last evaluated: 2022-04-14. Review status: criteria provided, single submitter. Criteria: ACMG Guidelines, 2015. Collection method: clinical testing. Allele origin: unknown.